The following is an entry in ClinVar:

NM_133433.4(NIPBL):c.3480TCC[2] (p.Pro1163del)

Gene: NIPBL (NIPBL cohesin loading factor; plus strand). Cytogenetic location: 5p13.2.
Variant type: Microsatellite.
Coding change: c.3480TCC[2] on transcript NM_133433.4 (MANE Select); two copies in a row of the 3-base unit TCC starting at c.3480; the reference has three copies in a row; one copy, 3 bases deleted; also written c.3486_3488del.
Protein change: p.Pro1163del; deletes proline 1163.
Molecular consequence: inframe deletion.
Genome position (GRCh38, 1-based): chr5:37,000,554-37,000,556, TCC deleted; deleting any 3 consecutive bases within chr5:37,000,547-37,000,556 gives the same sequence; the position shown is the placement nearest the transcript's 3' end. VCF-style (leftmost placement, unchanged base first): chr5-37000546-TCTC-T. GRCh37 (hg19) VCF-style: chr5-37000648-TCTC-T.
Other names: c.3486_3488del (NM_133433.4); c.3480TCC[2], p.Pro1163del (NM_015384.5); short protein forms P1163del.
Identifiers: ClinVar variation 1709174 (VCV001709174.4), dbSNP rs750517408, ClinGen allele CA3236342.

ClinVar aggregate classification (germline): Uncertain significance. Review status: criteria provided, multiple submitters, no conflicts (2 of 4 stars). 3 submissions from 3 submitters: Uncertain significance (3). Last evaluated 2025-06-03.

Conditions:
Cornelia de Lange syndrome 1 (CDLS1). Also called: TYPUS DEGENERATIVUS AMSTELODAMENSIS; Brachmann de Lange syndrome; NIPBL-Related Cornelia de Lange Syndrome. Identifiers: Orphanet 199, MedGen C4551851, MONDO:0007387, OMIM 122470.

Submissions (3):

Labcorp Genetics (formerly Invitae), Labcorp
Classification: Uncertain significance for Cornelia de Lange syndrome 1. Last evaluated: 2025-06-03. Review status: criteria provided, single submitter. Criteria: Invitae Variant Classification Sherloc (09022015). Collection method: clinical testing. Allele origin: germline.
Comment: This variant, c.3486_3488del, results in the deletion of 1 amino acid(s) of the NIPBL protein (p.Pro1163del), but otherwise preserves the integrity of the reading frame. This variant is present in population databases (rs750517408, gnomAD 0.009%). This variant has not been reported in the literature in individuals affected with NIPBL-related conditions. Experimental studies and prediction algorithms are not available or were not evaluated, and the functional significance of this variant is currently unknown. In summary, the available evidence is currently insufficient to determine the role of this variant in disease. Therefore, it has been classified as a Variant of Uncertain Significance.

Fulgent Genetics
Classification: Uncertain significance for Cornelia de Lange syndrome 1. Last evaluated: 2024-04-16. Review status: criteria provided, single submitter. Criteria: ACMG Guidelines, 2015. Collection method: clinical testing. Allele origin: germline.

MGZ Medical Genetics Center
Classification: Uncertain significance for Cornelia de Lange syndrome 1. Last evaluated: 2022-03-09. Review status: criteria provided, single submitter. Criteria: ACMG Guidelines, 2015. Collection method: clinical testing. Allele origin: germline. Affected: yes. Observed: 1 variant allele.
Comment: ACMG criteria applied: PM4, PM2_SUP